The following is an entry in ClinVar:

NM_025150.5(TARS2):c.1618-295G>A

Gene: TARS2 (threonyl-tRNA synthetase 2, mitochondrial; plus strand). Cytogenetic location: 1q21.2.
Variant type: single nucleotide variant.
Coding change: c.1618-295G>A on transcript NM_025150.5 (MANE Select); 295 bases into the intron before coding-DNA position 1618, G replaced by A.
Molecular consequence: intron variant.
Genome position (GRCh38, 1-based): chr1:150,504,040, G>A. VCF-style: chr1-150504040-G-A. GRCh37 (hg19) VCF-style: chr1-150476516-G-A.
Other names: c.1372-295G>A (NM_001271895.2); c.1228-295G>A (NM_001271896.2).
Identifiers: ClinVar variation 680806 (VCV000680806.1), dbSNP rs11205385, ClinGen allele CA15078709.
Genomic context (GRCh38, chr1:150,504,040, plus strand): 5'-ACAGTTTCAGAGGTACAGCCATTGGGGGAGATGACAGGATAAAGGGTGTAGCCATAGATG[G>A]GTGGTGGTGAAGATCTCTGAGATGAGGAGCTCAAGGAATTGAGAGGCCAGGGTGTGGACA-3'

ClinVar aggregate classification (germline): Benign (1 of 4 stars; one submission).

Allele frequency attached by ClinVar (database versions not stated): 1000 Genomes Project 30x 0.22283; 1000 Genomes Project 0.22364; TOPMed 0.27834; gnomAD 0.29567 and 0.29726.
gnomAD v4.1: 45,350 of 151,880 alleles (30%); highest among the groups gnomAD compares: Non-Finnish European, 40%; 8,262 homozygotes.

Submission:

GeneDx
Classification: Benign. Last evaluated: 2018-06-14. Review status: criteria provided, single submitter. Criteria: GeneDx Variant Classification (06012015). Collection method: clinical testing. Allele origin: germline. Affected: yes.
Comment: This variant is considered likely benign or benign based on one or more of the following criteria: it is a conservative change, it occurs at a poorly conserved position in the protein, it is predicted to be benign by multiple in silico algorithms, and/or has population frequency not consistent with disease.